The following is an entry in ClinVar:

ClinVar aggregate classification (germline): Likely benign. Review status: criteria provided, multiple submitters, no conflicts (2 of 4 stars). 3 submissions from 3 submitters: Likely benign (3). Last evaluated 2025-11-24.

Conditions:
Seizures, benign familial infantile, 3 (BFIS3). Also called: Familial neonatal seizures; CONVULSIONS, BENIGN FAMILIAL INFANTILE, 3. Identifiers: Orphanet 140927, Orphanet 306, MedGen C1843140, MONDO:0011904, OMIM 607745.
Developmental and epileptic encephalopathy, 11 (DEE11). Also called: Early infantile epileptic encephalopathy 11. Identifiers: Orphanet 1934, MedGen C3150987, MONDO:0013388, OMIM 613721.

Allele frequency attached by ClinVar (database versions not stated): ExAC 0.00001; gnomAD 0.00001; gnomAD exomes 0.00001; TOPMed 0.00002; ESP Exome Variant Server 0.00008.
gnomAD v4.1: 9 of 1,614,082 alleles (0.00056%); highest among the groups gnomAD compares: African/African-American, 0.0027%; no homozygotes.

Submissions (3):

Labcorp Genetics (formerly Invitae), Labcorp
Classification: Likely benign for Seizures, benign familial infantile, 3; Developmental and epileptic encephalopathy, 11. Last evaluated: 2025-11-24. Review status: criteria provided, single submitter. Criteria: Invitae Variant Classification Sherloc (09022015). Collection method: clinical testing. Allele origin: germline.

Blueprint Genetics
Classification: Likely benign. Last evaluated: 2024-08-16. Review status: criteria provided, single submitter. Criteria: ACMG Guidelines, 2015. Collection method: clinical testing. Allele origin: germline.

GeneDx
Classification: Likely benign. Last evaluated: 2017-08-08. Review status: criteria provided, single submitter. Criteria: GeneDx Variant Classification (06012015). Collection method: clinical testing. Allele origin: germline. Affected: yes.
Comment: This variant is considered likely benign or benign based on one or more of the following criteria: it is a conservative change, it occurs at a poorly conserved position in the protein, it is predicted to be benign by multiple in silico algorithms, and/or has population frequency not consistent with disease.

NM_001040142.2(SCN2A):c.1866C>T (p.His622=)

Gene: SCN2A (sodium voltage-gated channel alpha subunit 2; plus strand). Cytogenetic location: 2q24.3.
Variant type: single nucleotide variant.
Coding change: c.1866C>T on transcript NM_001040142.2 (MANE Select); coding-DNA position 1866, C replaced by T.
Protein change: p.His622=; no amino-acid change (histidine 622 retained).
Molecular consequence: synonymous variant.
Genome position (GRCh38, 1-based): chr2:165,323,350, C>T. VCF-style: chr2-165323350-C-T. GRCh37 (hg19) VCF-style: chr2-166179860-C-T.
Other names: c.1866C>T, p.His622= (NM_001040143.2, NM_001371246.1, NM_001371247.1 and 1 more transcripts).
Identifiers: ClinVar variation 516630 (VCV000516630.11), dbSNP rs377388875, ClinGen allele CA1939881.